The following is an entry in ClinVar:

NM_005219.5(DIAPH1):c.2778+2dup

Gene: DIAPH1 (diaphanous related formin 1; minus strand). Cytogenetic location: 5q31.3.
Variant type: Duplication.
Coding change: c.2778+2dup on transcript NM_005219.5 (MANE Select); the canonical splice donor site of the intron after coding-DNA position 2778, one base duplicated (T; older notation c.2778+2dupT).
Molecular consequence: splice donor variant.
Genome position (GRCh38, 1-based): chr5:141,529,170, A duplicated on the plus strand (T on the coding strand, the reverse complement: DIAPH1 is on the minus strand). VCF-style (leftmost placement, unchanged base first): chr5-141529169-C-CA. GRCh37 (hg19) VCF-style: chr5-140908736-C-CA.
Other names: c.2751+2dup (NM_001079812.3); c.2778+2dup (NM_001314007.2).
Identifiers: ClinVar variation 2947897 (VCV002947897.3), dbSNP rs2513626353, ClinGen allele CA2740094108.

ClinVar aggregate classification (germline): Uncertain significance (1 of 4 stars; one submission).

Conditions:
Progressive microcephaly-seizures-cortical blindness-developmental delay syndrome. Also called: Seizures, cortical blindness, and microcephaly syndrome. Identifiers: Orphanet 477814, MedGen C5567650, MONDO:0014714, OMIM 616632.
Autosomal dominant nonsyndromic hearing loss 1. Also called: KONIGSMARK SYNDROME; DEAFNESS, AUTOSOMAL DOMINANT 1, WITH OR WITHOUT THROMBOCYTOPENIA. Identifiers: Orphanet 90635, MedGen C1852282, MONDO:0007424, OMIM 124900.

Submission:

Labcorp Genetics (formerly Invitae), Labcorp
Classification: Uncertain significance for Progressive microcephaly-seizures-cortical blindness-developmental delay syndrome; Autosomal dominant nonsyndromic hearing loss 1. Last evaluated: 2023-10-05. Review status: criteria provided, single submitter. Criteria: Invitae Variant Classification Sherloc (09022015). Collection method: clinical testing. Allele origin: germline.
Comment: This sequence change falls in intron 21 of the DIAPH1 gene. It does not directly change the encoded amino acid sequence of the DIAPH1 protein. It affects a nucleotide within the consensus splice site. This variant is not present in population databases (gnomAD no frequency). This variant has not been reported in the literature in individuals affected with DIAPH1-related conditions. Variants that disrupt the consensus splice site are a relatively common cause of aberrant splicing (PMID: 17576681, 9536098). Algorithms developed to predict the effect of sequence changes on RNA splicing suggest that this variant may disrupt the consensus splice site. In summary, the available evidence is currently insufficient to determine the role of this variant in disease. Therefore, it has been classified as a Variant of Uncertain Significance.

Literature cited by the submitters: PubMed 17576681; PubMed 9536098.